The following is an entry in ClinVar:

ClinVar aggregate classification (germline): Uncertain significance (1 of 4 stars; one submission).

Conditions:
Primary ciliary dyskinesia 23 (CILD23). Also called: CILIARY DYSKINESIA, PRIMARY, 23, WITH OR WITHOUT SITUS INVERSUS. Identifiers: Orphanet 244, MedGen C3809548, MONDO:0014193, OMIM 615451.

Allele frequency attached by ClinVar (database versions not stated): gnomAD exomes 0.00001 and below 0.00001; TOPMed below 0.00001; gnomAD 0.00001.
gnomAD v4.1: 5 of 1,613,518 alleles (0.00031%); highest among the groups gnomAD compares: Non-Finnish European, 0.00034%; no homozygotes.

Submission:

Labcorp Genetics (formerly Invitae), Labcorp
Classification: Uncertain significance for Primary ciliary dyskinesia 23. Last evaluated: 2022-08-13. Review status: criteria provided, single submitter. Criteria: Invitae Variant Classification Sherloc (09022015). Collection method: clinical testing. Allele origin: germline.
Comment: This variant has not been reported in the literature in individuals affected with ARMC4-related conditions. ClinVar contains an entry for this variant (Variation ID: 1681387). Algorithms developed to predict the effect of missense changes on protein structure and function output the following: SIFT: "Tolerated"; PolyPhen-2: "Benign"; Align-GVGD: "Class C0". The glutamic acid amino acid residue is found in multiple mammalian species, which suggests that this missense change does not adversely affect protein function. In summary, the available evidence is currently insufficient to determine the role of this variant in disease. Therefore, it has been classified as a Variant of Uncertain Significance. This variant is present in population databases (no rsID available, gnomAD 0.002%). This sequence change replaces lysine, which is basic and polar, with glutamic acid, which is acidic and polar, at codon 329 of the ARMC4 protein (p.Lys329Glu).

NM_018076.5(ODAD2):c.985A>G (p.Lys329Glu)

Gene: ODAD2 (outer dynein arm docking complex subunit 2; minus strand). Cytogenetic location: 10p12.1.
Variant type: single nucleotide variant.
Coding change: c.985A>G on transcript NM_018076.5 (MANE Select); coding-DNA position 985, A replaced by G.
Protein change: p.Lys329Glu; replaces lysine 329 with glutamic acid.
Molecular consequence: missense variant. On other transcripts: intron variant (1).
Genome position (GRCh38, 1-based): chr10:27,971,265, T>C on the plus strand (A>G on the coding strand, the complement: ODAD2 is on the minus strand). VCF-style: chr10-27971265-T-C. GRCh37 (hg19) VCF-style: chr10-28260194-T-C.
Other names: c.985A>G, p.Lys329Glu (NM_001290020.2); c.61A>G, p.Lys21Glu (NM_001312689.2); c.-187-9550A>G (NM_001290021.2); short protein forms K21E, K329E.
Identifiers: ClinVar variation 1681387 (VCV001681387.8), dbSNP rs1330553597, ClinGen allele CA376394470.